The following is an entry in ClinVar:

NC_000003.12:g.169764929G>A

Genes: TERC (telomerase RNA component; minus strand), LOC110806306 (telomerase RNA component (TERC) promoter; plus strand). Cytogenetic location: 3q26.2.
Variant type: single nucleotide variant.
Genome position: GRCh38 VCF-style: chr3-169764929-G-A. GRCh37 (hg19) VCF-style: chr3-169482717-G-A.
Identifiers: ClinVar variation 567657 (VCV000567657.9), dbSNP rs1160164639, ClinGen allele CA436715694.

ClinVar aggregate classification (germline): Uncertain significance (1 of 4 stars; one submission).

Conditions:
Dyskeratosis congenita, autosomal dominant 1 (DKCA1). Also called: Dyskeratosis congenita Scoggins type. Identifiers: Orphanet 1775, MedGen C4551974, MONDO:0007485, OMIM 127550. Inheritance: Variable.

Allele frequency attached by ClinVar (database versions not stated): gnomAD exomes below 0.00001.
gnomAD v4.1: 1 of 765,374 alleles (0.00013%); highest among the groups gnomAD compares: Admixed American, 0.0017%; no homozygotes.

Submission:

Labcorp Genetics (formerly Invitae), Labcorp
Classification: Uncertain significance for Dyskeratosis congenita, autosomal dominant 1. Last evaluated: 2022-01-28. Review status: criteria provided, single submitter. Criteria: Invitae Variant Classification Sherloc (09022015). Collection method: clinical testing. Allele origin: germline.
Comment: This variant occurs in the TERC gene, which encodes an RNA molecule that does not result in a protein product. In summary, the available evidence is currently insufficient to determine the role of this variant in disease. Therefore, it has been classified as a Variant of Uncertain Significance. This variant is located in a region of TERC in which a significant number of disease causing variants have been reported (PMID: 15082312, 21844345, 21931702). These observations suggest that this may be a clinically significant region. This variant is located within the template/pseudoknot domain of the TERC RNA component, which is required for RNA or RNP stability (PMID: 15082312, 21844345). ClinVar contains an entry for this variant (Variation ID: 567657). This variant has not been reported in the literature in individuals affected with TERC-related conditions. This variant is present in population databases (no rsID available, gnomAD 0.003%).

Literature cited by the submitters: PubMed 15082312; PubMed 21844345; PubMed 21931702.